The following is an entry in ClinVar:

ClinVar aggregate classification (germline): Pathogenic (1 of 4 stars; one submission).

Conditions:
Pheochromocytoma/paraganglioma syndrome 5. Also called: Paragangliomas 5; SDHA-Related Hereditary Paraganglioma-Pheochromocytoma Syndrome. Identifiers: Orphanet 29072, MedGen C3279992, MONDO:0013602, OMIM 614165.

Submission:

Myriad Genetics, Inc.
Classification: Pathogenic for Pheochromocytoma/paraganglioma syndrome 5. Last evaluated: 2023-08-09. Review status: criteria provided, single submitter. Criteria: Myriad Autosomal Dominant, Autosomal Recessive and X-Linked Classification Criteria (2023). Collection method: clinical testing. Allele origin: unknown.
Comment: This variant is considered pathogenic. This variant creates a frameshift predicted to result in premature protein truncation.

NM_004168.4(SDHA):c.55_57delinsCA (p.Ala19fs)

Gene: SDHA (succinate dehydrogenase complex flavoprotein subunit A; plus strand). Cytogenetic location: 5p15.33.
Variant type: Indel.
Coding change: c.55_57delinsCA on transcript NM_004168.4 (MANE Select); coding-DNA positions 55 to 57, GCC replaced by CA.
Protein change: p.Ala19fs; shifts the reading frame from alanine 19.
Molecular consequence: frameshift variant.
Genome position (GRCh38, 1-based): chr5:218,410-218,412, GCC replaced by CA. VCF-style: chr5-218410-GCC-CA. GRCh37 (hg19) VCF-style: chr5-218525-GCC-CA.
Other names: c.55_57delinsCA, p.Ala19fs (NM_001294332.2, NM_001330758.2); short protein forms A19fs.
Identifiers: ClinVar variation 2674421 (VCV002674421.1), dbSNP rs2477252480, ClinGen allele CA2695198570.